The following is an entry in ClinVar:

NM_198578.4(LRRK2):c.1547T>C (p.Met516Thr)

Gene: LRRK2 (leucine rich repeat kinase 2; plus strand). Cytogenetic location: 12q12.
Variant type: single nucleotide variant.
Coding change: c.1547T>C on transcript NM_198578.4 (MANE Select); coding-DNA position 1547, T replaced by C.
Protein change: p.Met516Thr; replaces methionine 516 with threonine.
Molecular consequence: missense variant.
Genome position (GRCh38, 1-based): chr12:40,263,792, T>C. VCF-style: chr12-40263792-T-C. GRCh37 (hg19) VCF-style: chr12-40657594-T-C.
Other names: short protein forms M516T.
Identifiers: ClinVar variation 3229520 (VCV003229520.1), dbSNP rs2499571690, ClinGen allele CA384398650.

ClinVar aggregate classification (germline): Uncertain significance (1 of 4 stars; one submission).

Conditions:
Inborn genetic diseases. Identifiers: MedGen C0950123, MeSH D030342.

Submission:

Ambry Genetics
Classification: Uncertain significance for Inborn genetic diseases. Last evaluated: 2023-09-23. Review status: criteria provided, single submitter. Criteria: Ambry Variant Classification Scheme 2023. Collection method: clinical testing. Allele origin: germline.
Comment: The p.M516T variant (also known as c.1547T>C), located in coding exon 14 of the LRRK2 gene, results from a T to C substitution at nucleotide position 1547. The methionine at codon 516 is replaced by threonine, an amino acid with similar properties. This amino acid position is conserved. In addition, this alteration is predicted to be tolerated by in silico analysis. Since supporting evidence is limited at this time, the clinical significance of this alteration remains unclear.